The following is an entry in ClinVar:

ClinVar aggregate classification (germline): Uncertain significance (1 of 4 stars; one submission).

Conditions:
Cognitive impairment - coarse facies - heart defects - obesity - pulmonary involvement - short stature - skeletal dysplasia syndrome. Also called: COGNITIVE IMPAIRMENT, COARSE FACIES, HEART DEFECTS, OBESITY, PULMONARY INVOLVEMENT, SHORT STATURE, AND SKELETAL DYSPLASIA; Chops syndrome; AFF4-Related CHOPS Syndrome. Identifiers: Orphanet 444077, MedGen C4085597, MONDO:0014609, OMIM 616368.

Submission:

Labcorp Genetics (formerly Invitae), Labcorp
Classification: Uncertain significance for Cognitive impairment - coarse facies - heart defects - obesity - pulmonary involvement - short stature - skeletal dysplasia syndrome. Last evaluated: 2022-02-09. Review status: criteria provided, single submitter. Criteria: Invitae Variant Classification Sherloc (09022015). Collection method: clinical testing. Allele origin: germline.
Comment: In summary, the available evidence is currently insufficient to determine the role of this variant in disease. Therefore, it has been classified as a Variant of Uncertain Significance. Algorithms developed to predict the effect of missense changes on protein structure and function (SIFT, PolyPhen-2, Align-GVGD) all suggest that this variant is likely to be tolerated. This variant has not been reported in the literature in individuals affected with AFF4-related conditions. This variant is not present in population databases (gnomAD no frequency). This sequence change replaces glutamine, which is neutral and polar, with glutamic acid, which is acidic and polar, at codon 864 of the AFF4 protein (p.Gln864Glu).

NM_014423.4(AFF4):c.2590C>G (p.Gln864Glu)

Gene: AFF4 (ALF transcription elongation factor 4; minus strand). Cytogenetic location: 5q31.1.
Variant type: single nucleotide variant.
Coding change: c.2590C>G on transcript NM_014423.4 (MANE Select); coding-DNA position 2590, C replaced by G.
Protein change: p.Gln864Glu; replaces glutamine 864 with glutamic acid.
Molecular consequence: missense variant.
Genome position (GRCh38, 1-based): chr5:132,892,211, G>C on the plus strand (C>G on the coding strand, the complement: AFF4 is on the minus strand). VCF-style: chr5-132892211-G-C. GRCh37 (hg19) VCF-style: chr5-132227903-G-C.
Other names: short protein forms Q864E.
Identifiers: ClinVar variation 1404015 (VCV001404015.8), dbSNP rs2150069583, ClinGen allele CA360928510.